The following is an entry in ClinVar:

ClinVar aggregate classification (germline): Uncertain significance (1 of 4 stars; one submission).

gnomAD v4.1: 1 of 1,614,040 alleles (0.000062%); highest among the groups gnomAD compares: African/African-American, 0.0013%; no homozygotes.

Submission:

GeneDx
Classification: Uncertain significance. Last evaluated: 2025-04-08. Review status: criteria provided, single submitter. Criteria: GeneDx Variant Classification Process June 2021. Collection method: clinical testing. Allele origin: germline. Affected: yes.
Comment: Not observed at significant frequency in large population cohorts (gnomAD); In silico analysis indicates that this missense variant does not alter protein structure/function; Has not been previously published as pathogenic or benign to our knowledge

NM_000836.4(GRIN2D):c.1432C>G (p.Arg478Gly)

Gene: GRIN2D (glutamate ionotropic receptor NMDA type subunit 2D; plus strand). Cytogenetic location: 19q13.33.
Variant type: single nucleotide variant.
Coding change: c.1432C>G on transcript NM_000836.4 (MANE Select); coding-DNA position 1432, C replaced by G.
Protein change: p.Arg478Gly; replaces arginine 478 with glycine.
Molecular consequence: missense variant.
Genome position (GRCh38, 1-based): chr19:48,414,883, C>G. VCF-style: chr19-48414883-C-G. GRCh37 (hg19) VCF-style: chr19-48918140-C-G.
Other names: short protein forms R478G.
Identifiers: ClinVar variation 4281952 (VCV004281952.1).